The following is an entry in ClinVar:

ClinVar aggregate classification (germline): Likely benign. Review status: criteria provided, multiple submitters, no conflicts (2 of 4 stars). 3 submissions from 3 submitters: Likely benign (3). Last evaluated 2025-10-09.

Conditions:
Charcot-Marie-Tooth disease dominant intermediate E. Also called: CHARCOT-MARIE-TOOTH NEUROPATHY WITH FOCAL SEGMENTAL GLOMERULONEPHRITIS. Identifiers: Orphanet 93114, MedGen C4302667, MONDO:0013758, OMIM 614455.
Focal segmental glomerulosclerosis 5 (FSGS5). Identifiers: Orphanet 656, MedGen C2750475, MONDO:0013191, OMIM 613237.
INF2-related disorder. Also called: INF2-related condition.

Allele frequency attached by ClinVar (database versions not stated): gnomAD exomes 0.00001; TOPMed 0.00002; ExAC 0.00005.
gnomAD v4.1: 13 of 1,550,480 alleles (0.00084%); highest among the groups gnomAD compares: African/African-American, 0.0014%; no homozygotes.

Submissions (3):

PreventionGenetics, part of Exact Sciences
Classification: Likely benign for INF2-related condition. Last evaluated: 2025-10-09. Review status: criteria provided, single submitter. Criteria: ACMG Guidelines, 2015. Collection method: clinical testing. Allele origin: germline.
Comment: This variant is classified as likely benign based on ACMG/AMP sequence variant interpretation guidelines (Richards et al. 2015 PMID: 25741868, with internal and published modifications).

Women's Health and Genetics/Laboratory Corporation of America, LabCorp
Classification: Likely benign. Last evaluated: 2025-03-17. Review status: criteria provided, single submitter. Criteria: LabCorp Variant Classification Summary - May 2015. Collection method: clinical testing. Allele origin: germline.

Labcorp Genetics (formerly Invitae), Labcorp
Classification: Likely benign for Charcot-Marie-Tooth disease dominant intermediate E; Focal segmental glomerulosclerosis 5. Last evaluated: 2023-10-05. Review status: criteria provided, single submitter. Criteria: Invitae Variant Classification Sherloc (09022015). Collection method: clinical testing. Allele origin: germline.

NM_022489.4(INF2):c.2868C>T (p.Asp956=)

Gene: INF2 (inverted formin 2; plus strand). Cytogenetic location: 14q32.33.
Variant type: single nucleotide variant.
Coding change: c.2868C>T on transcript NM_022489.4 (MANE Select); coding-DNA position 2868, C replaced by T.
Protein change: p.Asp956=; no amino-acid change (aspartic acid 956 retained).
Molecular consequence: synonymous variant.
Genome position (GRCh38, 1-based): chr14:104,713,299, C>T. VCF-style: chr14-104713299-C-T. GRCh37 (hg19) VCF-style: chr14-105179636-C-T.
Other names: c.2868C>T, p.Asp956= (NM_001031714.4); c.2868C>T (NM_022489.3).
Identifiers: ClinVar variation 1161337 (VCV001161337.11), dbSNP rs748088770, ClinGen allele CA7373098.